The following is an entry in ClinVar:

NM_014991.6(WDFY3):c.3488-3C>T

Gene: WDFY3 (WD repeat and FYVE domain containing 3; minus strand). Cytogenetic location: 4q21.23.
Variant type: single nucleotide variant.
Coding change: c.3488-3C>T on transcript NM_014991.6 (MANE Select); 3 bases into the intron before coding-DNA position 3488, C replaced by T.
Molecular consequence: intron variant.
Genome position (GRCh38, 1-based): chr4:84,789,910, G>A on the plus strand (C>T on the coding strand, the complement: WDFY3 is on the minus strand). VCF-style: chr4-84789910-G-A. GRCh37 (hg19) VCF-style: chr4-85711063-G-A.
Identifiers: ClinVar variation 4850540 (VCV004850540.1).

ClinVar aggregate classification (germline): Likely benign (1 of 4 stars; one submission).

Conditions:
Microcephaly 18, primary, autosomal dominant (MCPH18). Identifiers: MedGen C4479608, MONDO:0054593, OMIM 617520.

Submission:

Centre for Medical Genetics,  Mumbai
Classification: Likely benign for Microcephaly 18, primary, autosomal dominant. Last evaluated: 2026-04-02. Review status: criteria provided, single submitter. Criteria: ACMG Guidelines, 2015. Collection method: provider interpretation. Allele origin: germline. Inheritance: Autosomal dominant inheritance. Affected: no. Observed: 1 variant allele, 1 heterozygote.
Comment: The variant satisfies PM2 criteria; Extremely low frequency in gnomAD population databases. The variant satisfies BP4 criteria; For a missense or a splice region variant, computational prediction tools unanimously support a benign effect on the gene. However, the variant satisfies BS2 criteria.

Literature cited by the submitters: PubMed 27008544.